The following is an entry in ClinVar:

NM_007194.4(CHEK2):c.806A>C (p.Asn269Thr)

Gene: CHEK2 (checkpoint kinase 2; minus strand). Cytogenetic location: 22q12.1.
Variant type: single nucleotide variant.
Coding change: c.806A>C on transcript NM_007194.4 (MANE Select); coding-DNA position 806, A replaced by C.
Protein change: p.Asn269Thr; replaces asparagine 269 with threonine.
Molecular consequence: missense variant.
Genome position (GRCh38, 1-based): chr22:28,710,046, T>G on the plus strand (A>C on the coding strand, the complement: CHEK2 is on the minus strand). VCF-style: chr22-28710046-T-G. GRCh37 (hg19) VCF-style: chr22-29106034-T-G.
Other names: c.935A>C, p.Asn312Thr (NM_001005735.3); c.143A>C, p.Asn48Thr (NM_001257387.3); c.605A>C, p.Asn202Thr (NM_001349956.3); c.806A>C, p.Asn269Thr (NM_145862.3); short protein forms N269T, N202T, N48T, N312T.
Identifiers: ClinVar variation 485518 (VCV000485518.5), dbSNP rs1555920228, ClinGen allele CA411102476.

ClinVar aggregate classification (germline): Uncertain significance (1 of 4 stars; one submission).

Conditions:
Hereditary cancer-predisposing syndrome. Also called: Tumor predisposition; Hereditary Cancer Syndrome; Hereditary neoplastic syndrome; Neoplastic Syndromes, Hereditary. Identifiers: Orphanet 140162, MedGen C0027672, MeSH D009386, MONDO:0015356.

Submission:

Ambry Genetics
Classification: Uncertain significance for Hereditary cancer-predisposing syndrome. Last evaluated: 2016-04-28. Review status: criteria provided, single submitter. Criteria: Ambry Variant Classification Scheme 2023. Collection method: clinical testing. Allele origin: germline.
Comment: The p.N269T variant (also known as c.806A>C), located in coding exon 6 of the CHEK2 gene, results from an A to C substitution at nucleotide position 806. The asparagine at codon 269 is replaced by threonine, an amino acid with similar properties. This variant was not reported in population based cohorts in the following databases: Database of Single Nucleotide Polymorphisms (dbSNP), NHLBI Exome Sequencing Project (ESP), and 1000 Genomes Project. In the ESP, this variant was not observed in 6487 samples (12974 alleles) with coverage at this position. To date, this alteration has been detected with an allele frequency of approximately 0.001% (greater than 130000 alleles tested) in our clinical cohort. This amino acid position is not well conserved in available vertebrate species. In addition, this alteration is predicted to be tolerated by in silico analysis. Since supporting evidence is limited at this time, the clinical significance of this alteration remains unclear.